The following is an entry in ClinVar:

ClinVar aggregate classification (germline): Uncertain significance (0 of 4 stars; one submission).

Conditions:
PKD1-related disorder. Also called: PKD1-related condition.

Submission:

PreventionGenetics, part of Exact Sciences
Classification: Uncertain significance for PKD1-related condition. Last evaluated: 2024-03-29. Review status: no assertion criteria provided. Collection method: clinical testing. Allele origin: germline.
Comment: The PKD1 c.9830G>C variant is predicted to result in the amino acid substitution p.Arg3277Pro. To our knowledge, this variant has not been reported in the literature or in a large population database, indicating this variant is rare. Of note, a different substitution at the same codon, defined as c.9829C>T (p.Arg3277Cys), has been repeatedly reported to be a likely hypomorphic allele for autosomal dominant polycystic kidney disease (ADPKD) (see for example, Hopp et al. 2012. PubMed ID: 23064367; Durkie et al. 2020. PubMed ID: 33168999; Mantovani et al. 2020. PubMed ID: 32457805). At this time, the clinical significance of the c.9830G>C (p.Arg3277Pro) variant is uncertain due to the absence of conclusive functional and genetic evidence.

NM_001009944.3(PKD1):c.9830G>C (p.Arg3277Pro)

Gene: PKD1 (polycystin 1, transient receptor potential channel interacting; minus strand). Cytogenetic location: 16p13.3.
Variant type: single nucleotide variant.
Coding change: c.9830G>C on transcript NM_001009944.3 (MANE Select); coding-DNA position 9830, G replaced by C.
Protein change: p.Arg3277Pro; replaces arginine 3277 with proline.
Molecular consequence: missense variant.
Genome position (GRCh38, 1-based): chr16:2,099,954, C>G on the plus strand (G>C on the coding strand, the complement: PKD1 is on the minus strand). VCF-style: chr16-2099954-C-G. GRCh37 (hg19) VCF-style: chr16-2149955-C-G.
Other names: c.9830G>C, p.Arg3277Pro (NM_000296.4); short protein forms R3277P.
Identifiers: ClinVar variation 3344241 (VCV003344241.1).